The following is an entry in ClinVar:

NM_144596.4(TTC8):c.8C>G (p.Ser3Trp)

Gene: TTC8 (tetratricopeptide repeat domain 8; plus strand). Cytogenetic location: 14q31.3.
Variant type: single nucleotide variant.
Coding change: c.8C>G on transcript NM_144596.4 (MANE Select); coding-DNA position 8, C replaced by G.
Protein change: p.Ser3Trp; replaces serine 3 with tryptophan.
Molecular consequence: missense variant. On other transcripts: 5 prime UTR variant (2), non-coding transcript variant (1).
Genome position (GRCh38, 1-based): chr14:88,824,715, C>G. VCF-style: chr14-88824715-C-G. GRCh37 (hg19) VCF-style: chr14-89291059-C-G.
Other names: c.8C>G, p.Ser3Trp (NM_001288781.1, NM_001366535.2, NM_001366536.2 and 2 more transcripts); c.-555C>G (NM_001288782.1); c.-650C>G (NM_001288783.1); short protein forms S3W.
Identifiers: ClinVar variation 1008575 (VCV001008575.7), dbSNP rs752229926, ClinGen allele CA390567525.
Genomic context (GRCh38, chr14:88,824,715, plus strand): 5'-CACGCCCACCTCTCTCCTGGAGCGCTGGGCCTTCGCTGGCCGCACCGGCAGCCATGAGCT[C>G]GGAGATGGAGCCGCTGCTCCTGGCCTGGAGCTATTTTAGGCGCAGGAAGTTCCAGCTCTG-3'
Protein context (NP_653197.2, residues 1-13): MS[Ser3Trp]EMEPLLLAWS

ClinVar aggregate classification (germline): Uncertain significance (1 of 4 stars; one submission).

Conditions:
Bardet-Biedl syndrome (BBS). Identifiers: Orphanet 110, MedGen C0752166, MONDO:0015229.

gnomAD v4.1: 4 of 1,607,880 alleles (0.00025%); highest among the groups gnomAD compares: South Asian, 0.0033%; no homozygotes.

Submission:

Labcorp Genetics (formerly Invitae), Labcorp
Classification: Uncertain significance for Bardet-Biedl syndrome. Last evaluated: 2022-08-09. Review status: criteria provided, single submitter. Criteria: Invitae Variant Classification Sherloc (09022015). Collection method: clinical testing. Allele origin: germline.
Comment: Algorithms developed to predict the effect of missense changes on protein structure and function output the following: SIFT: "Deleterious"; PolyPhen-2: "Possibly Damaging"; Align-GVGD: "Class C0". The tryptophan amino acid residue is found in multiple mammalian species, which suggests that this missense change does not adversely affect protein function. In summary, the available evidence is currently insufficient to determine the role of this variant in disease. Therefore, it has been classified as a Variant of Uncertain Significance. This sequence change replaces serine, which is neutral and polar, with tryptophan, which is neutral and slightly polar, at codon 3 of the TTC8 protein (p.Ser3Trp). This variant is present in population databases (no rsID available, gnomAD 0.003%). This variant has not been reported in the literature in individuals affected with TTC8-related conditions. ClinVar contains an entry for this variant (Variation ID: 1008575).